The following is an entry in ClinVar:

NM_001164508.2(NEB):c.7468_7470delinsGATAC (p.Gln2490fs)

Gene: NEB (nebulin; minus strand). Cytogenetic location: 2q23.3.
Variant type: Indel.
Coding change: c.7468_7470delinsGATAC on transcript NM_001164508.2 (MANE Select); coding-DNA positions 7468 to 7470, CAG replaced by GATAC.
Protein change: p.Gln2490fs; shifts the reading frame from glutamine 2490.
Molecular consequence: frameshift variant.
Genome position (GRCh38, 1-based): chr2:151,646,196-151,646,198, CTG replaced by GTATC on the plus strand (CAG replaced by GATAC on the coding strand, the reverse complement: NEB is on the minus strand). VCF-style: chr2-151646196-CTG-GTATC. GRCh37 (hg19) VCF-style: chr2-152502710-CTG-GTATC.
Other names: c.7468_7470delinsGATAC, p.Gln2490fs (NM_001164507.2, NM_001271208.2, NM_004543.5); short protein forms Q2490fs.
Identifiers: ClinVar variation 5004792 (VCV005004792.1).

ClinVar aggregate classification (germline): Pathogenic (1 of 4 stars; one submission).

Conditions:
Nemaline myopathy 2 (NEM2). Also called: Nemaline myopathy 2, autosomal recessive. Identifiers: MedGen C1850569, MONDO:0009725, OMIM 256030.

Submission:

Myriad Genetics, Inc.
Classification: Pathogenic for Nemaline myopathy 2. Last evaluated: 2026-07-15. Review status: criteria provided, single submitter. Criteria: Myriad Autosomal Dominant, Autosomal Recessive and X-Linked Classification Criteria (2023). Collection method: clinical testing. Allele origin: unknown.
Comment: NM_001271208.1(NEB):c.7468_7470del3ins5(Q2490Dfs*19) is a frameshift variant classified as pathogenic in the context of NEB-related nemaline myopathy. Q2490Dfs*19 has not been observed in cases with relevant disease. Relevant functional assessments of this variant are not available in the literature. Q2490Dfs*19 has not been observed in referenced population frequency databases. In summary, NM_001271208.1(NEB):c.7468_7470del3ins5(Q2490Dfs*19) is a frameshift variant in a gene where loss of function is a known mechanism of disease and is predicted to disrupt protein function. Please note: this variant was assessed in the context of healthy population screening.